The following is an entry in ClinVar:

ClinVar aggregate classification (germline): Likely benign. Review status: criteria provided, single submitter (1 of 4 stars). 2 submissions from 2 submitters: Likely benign (1). 1 of the submissions does not count toward it. Last evaluated 2015-10-19.

Conditions:
SLC9A6-related disorder. Also called: SLC9A6-related condition.

Allele frequency attached by ClinVar (database versions not stated): gnomAD 0.00020; gnomAD exomes 0.00041.
gnomAD v4.1: 42 of 1,012,646 alleles (0.0041%); highest among the groups gnomAD compares: Admixed American, 0.12%; no homozygotes.

Submissions (2):

GeneDx
Classification: Likely benign. Last evaluated: 2015-10-19. Review status: criteria provided, single submitter. Criteria: GeneDx Variant Classification (06012015). Collection method: clinical testing. Allele origin: germline. Affected: yes.
Comment: This variant is considered likely benign or benign based on one or more of the following criteria: it is a conservative change, it occurs at a poorly conserved position in the protein, it is predicted to be benign by multiple in silico algorithms, and/or has population frequency not consistent with disease.

PreventionGenetics, part of Exact Sciences
Classification: Likely benign for SLC9A6-related condition. Last evaluated: 2021-01-29. Review status: no assertion criteria provided. Collection method: clinical testing. Allele origin: germline. Not counted in ClinVar's aggregate classification.
Comment: This variant is classified as likely benign based on ACMG/AMP sequence variant interpretation guidelines (Richards et al. 2015 PMID: 25741868, with internal and published modifications).

NM_001379110.1(SLC9A6):c.-60T>C

Genes: SLC9A6 (solute carrier family 9 member A6; plus strand), LOC130068746 (ATAC-STARR-seq lymphoblastoid silent region 21025; plus strand). Cytogenetic location: Xq26.3.
Variant type: single nucleotide variant.
Coding change: c.-60T>C on transcript NM_001379110.1 (MANE Select); 60 bases upstream of the start codon, T replaced by C.
Molecular consequence: 5 prime UTR variant. On other transcripts: intron variant (3), splice donor variant (2).
Genome position (GRCh38, 1-based): chrX:135,985,474, T>C. VCF-style: chrX-135985474-T-C. GRCh37 (hg19) VCF-style: chrX-135067633-T-C.
Other names: c.-29T>C (NM_001042537.2, NM_006359.3); c.-60T>C (NM_001177651.2, NM_001400913.1); c.-35-150T>C (NM_001400909.1); c.-56-129T>C (NM_001400910.1, NM_001400911.1); c.-57+2T>C (NM_001400912.1, NM_001330652.2, NM_001330652.1).
Identifiers: ClinVar variation 378617 (VCV000378617.3), dbSNP rs1057520373, ClinGen allele CA16608744.
Genomic context (GRCh38, chrX:135,985,474, plus strand): 5'-CGGGCCCCGCCCCTTTCCCGTGAGCCCTCGGGGAGTGGTCCGACCGCGGGCGGCCGCCGG[T>C]GAGGTAGGGGCGGGAGGCGGGGGGAGACATGGCTCGGCGCGGCTGGCGGCGGGCACCCCT-3'